The following is an entry in ClinVar:

NM_000240.4(MAOA):c.645+13T>A

Gene: MAOA (monoamine oxidase A; plus strand). Cytogenetic location: Xp11.3.
Variant type: single nucleotide variant.
Coding change: c.645+13T>A on transcript NM_000240.4 (MANE Select); 13 bases into the intron after coding-DNA position 645, T replaced by A.
Molecular consequence: intron variant.
Genome position (GRCh38, 1-based): chrX:43,728,327, T>A. VCF-style: chrX-43728327-T-A. GRCh37 (hg19) VCF-style: chrX-43587574-T-A.
Other names: c.246+13T>A (NM_001270458.2).
Identifiers: ClinVar variation 2905825 (VCV002905825.4), dbSNP rs1298680902, ClinGen allele CA641633368.

ClinVar aggregate classification (germline): Uncertain significance. Review status: criteria provided, multiple submitters, no conflicts (2 of 4 stars). 2 submissions from 2 submitters: Uncertain significance (2). Last evaluated 2026-03-25.

Conditions:
Brunner syndrome (BRNRS). Identifiers: Orphanet 3057, MedGen C0796275, MONDO:0010379, OMIM 300615.

Allele frequency attached by ClinVar (database versions not stated): gnomAD 0.00001; gnomAD exomes below 0.00001; TOPMed 0.00001.
gnomAD v4.1: 2 of 1,208,919 alleles (0.00017%); highest among the groups gnomAD compares: Admixed American, 0.0044%; no homozygotes.

Submissions (2):

GeneDx
Classification: Uncertain significance. Last evaluated: 2026-03-25. Review status: criteria provided, single submitter. Criteria: GeneDx Variant Classification Process June 2021. Collection method: clinical testing. Allele origin: germline.
Comment: Has not been previously published as pathogenic or benign to our knowledge; In silico analysis suggests this variant may impact gene splicing. In the absence of RNA/functional studies, the actual effect of this sequence change is unknown.

Labcorp Genetics (formerly Invitae), Labcorp
Classification: Uncertain significance for Brunner syndrome. Last evaluated: 2024-03-13. Review status: criteria provided, single submitter. Criteria: Invitae Variant Classification Sherloc (09022015). Collection method: clinical testing. Allele origin: germline.
Comment: This sequence change falls in intron 6 of the MAOA gene. It does not directly change the encoded amino acid sequence of the MAOA protein. This variant is present in population databases (no rsID available, gnomAD 0.2%). This variant has not been reported in the literature in individuals affected with MAOA-related conditions. Algorithms developed to predict the effect of sequence changes on RNA splicing suggest that this variant may create or strengthen a splice site. In summary, the available evidence is currently insufficient to determine the role of this variant in disease. Therefore, it has been classified as a Variant of Uncertain Significance.